The following is an entry in ClinVar:

NM_000157.4(GBA1):c.1226del (p.Asn409fs)

Genes: GBA1 (glucosylceramidase beta 1; minus strand), LOC106627981 (GBA recombination region; plus strand). Cytogenetic location: 1q22.
Variant type: Deletion.
Coding change: c.1226del on transcript NM_000157.4 (MANE Select); coding-DNA position 1226, one base deleted (A; older notation c.1226delA).
Protein change: p.Asn409fs; shifts the reading frame from asparagine 409.
Molecular consequence: frameshift variant.
Genome position (GRCh38, 1-based): chr1:155,235,843, T deleted on the plus strand (A on the coding strand, the reverse complement: GBA1 is on the minus strand); the first of 2 consecutive T bases (chr1:155,235,843-155,235,844); deleting either gives the same sequence. VCF-style (leftmost placement, unchanged base first): chr1-155235842-GT-G. GRCh37 (hg19) VCF-style: chr1-155205633-GT-G.
Other names: c.1226del, p.Asn409fs (NM_001005741.3, NM_001005742.3); c.965del, p.Asn322fs (NM_001171811.2); c.1079del, p.Asn360fs (NM_001171812.2); short protein forms N322fs, N360fs, N409fs.
Identifiers: ClinVar variation 4068370 (VCV004068370.2).

ClinVar aggregate classification (germline): Likely pathogenic (1 of 4 stars; one submission).

Conditions:
Gaucher disease. Also called: Kerasin lipoidosis; Kerasin thesaurismosis; Acute cerebral Gaucher disease; Cerebroside lipidosis syndrome; Gaucher splenomegaly; Sphingolipidosis 1. Identifiers: Orphanet 355, MedGen C0017205, MONDO:0018150.

Submission:

Natera, Inc.
Classification: Likely pathogenic for Gaucher disease. Last evaluated: 2025-05-13. Review status: criteria provided, single submitter. Criteria: Natera Variant Classification Schema (03/2026). Collection method: clinical testing. Allele origin: germline.
Comment: The c.1226del variant in GBA1 is a frameshift variant predicted to shift the reading frame beginning at codon 409 and leads to a stop codon 16 codons downstream. This variant is expected to result in nonsense mediated decay, truncation, or a dysfunctional protein product. This variant is rare in the general population with a frequency below the threshold expected for the associated phenotype(s). Given the available evidence, this variant is classified as Likely Pathogenic.